The following is an entry in ClinVar:

ClinVar aggregate classification (germline): Uncertain significance (1 of 4 stars; one submission).

Allele frequency attached by ClinVar (database versions not stated): gnomAD exomes 0.00005; ExAC 0.00012; ESP Exome Variant Server 0.00017; gnomAD 0.00004; TOPMed 0.00004.
gnomAD v4.1: 86 of 1,525,916 alleles (0.0056%); highest among the groups gnomAD compares: Non-Finnish European, 0.0066%; no homozygotes.

Submission:

Ambry Genetics
Classification: Uncertain significance. Last evaluated: 2025-12-22. Review status: criteria provided, single submitter. Criteria: Ambry Variant Classification Scheme 2023. Collection method: clinical testing. Allele origin: germline.
Comment: The c.223G>A (p.V75M) alteration is located in exon 1 (coding exon 1) of the CST3 gene. This alteration results from a G to A substitution at nucleotide position 223, causing the valine (V) at amino acid position 75 to be replaced by a methionine (M). Based on data from gnomAD, the A allele has an overall frequency of 0.004% (6/161774) total alleles studied. The highest observed frequency was 0.008% (5/64970) of European (non-Finnish) alleles. Based on insufficient or conflicting evidence, the clinical significance of this alteration remains unclear.

NM_000099.4(CST3):c.223G>A (p.Val75Met)

Genes: CST3 (cystatin C; minus strand), LOC130065546 (ATAC-STARR-seq lymphoblastoid silent region 12733; plus strand). Cytogenetic location: 20p11.21.
Variant type: single nucleotide variant.
Coding change: c.223G>A on transcript NM_000099.4 (MANE Select); coding-DNA position 223, G replaced by A.
Protein change: p.Val75Met; replaces valine 75 with methionine.
Molecular consequence: missense variant.
Genome position (GRCh38, 1-based): chr20:23,637,640, C>T on the plus strand (G>A on the coding strand, the complement: CST3 is on the minus strand). VCF-style: chr20-23637640-C-T. GRCh37 (hg19) VCF-style: chr20-23618277-C-T.
Other names: c.223G>A, p.Val75Met (NM_001288614.2); short protein forms V75M.
Identifiers: ClinVar variation 2213756 (VCV002213756.3), dbSNP rs373743268, ClinGen allele CA9790243.
Genomic context (GRCh38, chr20:23,637,640, plus strand): 5'-CGGGGCCGGGGCTTCGGACCCTGCGGGGGGCGGCACGCACCTGCTTGCGGGCGCGCACCA[C>T]CTGCAGCGCGCGGCTGTGGTACATGTCGTTGCTGGCTTTGTTGTACTCGCCGACGGCAAA-3'
Protein context (NP_000090.1, residues 65-85): NDMYHSRALQ[Val75Met]VRARKQIVAG